The following is an entry in ClinVar:

ClinVar aggregate classification (germline): Uncertain significance. Review status: criteria provided, multiple submitters, no conflicts (2 of 4 stars). 2 submissions from 2 submitters: Uncertain significance (2). Last evaluated 2024-12-16.

Conditions:
Inborn genetic diseases. Identifiers: MedGen C0950123, MeSH D030342.

Allele frequency attached by ClinVar (database versions not stated): gnomAD 0.00002; ExAC 0.00003; gnomAD exomes 0.00004; TOPMed 0.00009.
gnomAD v4.1: 62 of 1,613,946 alleles (0.0038%); highest among the groups gnomAD compares: Middle Eastern, 0.049%; no homozygotes.

Submissions (2):

Ambry Genetics
Classification: Uncertain significance for Inborn genetic diseases. Last evaluated: 2024-12-16. Review status: criteria provided, single submitter. Criteria: Ambry Variant Classification Scheme 2023. Collection method: clinical testing. Allele origin: germline.

Labcorp Genetics (formerly Invitae), Labcorp
Classification: Uncertain significance. Last evaluated: 2024-11-08. Review status: criteria provided, single submitter. Criteria: Invitae Variant Classification Sherloc (09022015). Collection method: clinical testing. Allele origin: germline.
Comment: This sequence change replaces valine, which is neutral and non-polar, with isoleucine, which is neutral and non-polar, at codon 458 of the NRIP1 protein (p.Val458Ile). This variant is present in population databases (rs759682911, gnomAD 0.03%). This variant has not been reported in the literature in individuals affected with NRIP1-related conditions. ClinVar contains an entry for this variant (Variation ID: 2749615). An algorithm developed to predict the effect of missense changes on protein structure and function outputs the following: PolyPhen-2: "Benign". The isoleucine amino acid residue is found in multiple mammalian species, which suggests that this missense change does not adversely affect protein function. In summary, the available evidence is currently insufficient to determine the role of this variant in disease. Therefore, it has been classified as a Variant of Uncertain Significance.

NM_003489.4(NRIP1):c.1372G>A (p.Val458Ile)

Gene: NRIP1 (nuclear receptor interacting protein 1; minus strand). Cytogenetic location: 21q11.2.
Variant type: single nucleotide variant.
Coding change: c.1372G>A on transcript NM_003489.4 (MANE Select); coding-DNA position 1372, G replaced by A.
Protein change: p.Val458Ile; replaces valine 458 with isoleucine.
Molecular consequence: missense variant.
Genome position (GRCh38, 1-based): chr21:14,966,821, C>T on the plus strand (G>A on the coding strand, the complement: NRIP1 is on the minus strand). VCF-style: chr21-14966821-C-T. GRCh37 (hg19) VCF-style: chr21-16339142-C-T.
Other names: c.1372G>A (NM_003489.3); short protein forms V458I.
Identifiers: ClinVar variation 2749615 (VCV002749615.4), dbSNP rs759682911, ClinGen allele CA9981348.